The following is an entry in ClinVar:

NM_015909.4(NBAS):c.5701T>G (p.Phe1901Val)

Gene: NBAS (NBAS subunit of NRZ tethering complex; minus strand). Cytogenetic location: 2p24.3.
Variant type: single nucleotide variant.
Coding change: c.5701T>G on transcript NM_015909.4 (MANE Select); coding-DNA position 5701, T replaced by G.
Protein change: p.Phe1901Val; replaces phenylalanine 1901 with valine.
Molecular consequence: missense variant. On other transcripts: non-coding transcript variant (1).
Genome position (GRCh38, 1-based): chr2:15,275,507, A>C on the plus strand (T>G on the coding strand, the complement: NBAS is on the minus strand). VCF-style: chr2-15275507-A-C. GRCh37 (hg19) VCF-style: chr2-15415631-A-C.
Other names: short protein forms F1901V.
Identifiers: ClinVar variation 1525409 (VCV001525409.8), dbSNP rs2148054780, ClinGen allele CA345882018.

ClinVar aggregate classification (germline): Uncertain significance (1 of 4 stars; one submission).

Submission:

Labcorp Genetics (formerly Invitae), Labcorp
Classification: Uncertain significance. Last evaluated: 2021-02-17. Review status: criteria provided, single submitter. Criteria: Invitae Variant Classification Sherloc (09022015). Collection method: clinical testing. Allele origin: germline.
Comment: This variant has not been reported in the literature in individuals with NBAS-related conditions. In summary, the available evidence is currently insufficient to determine the role of this variant in disease. Therefore, it has been classified as a Variant of Uncertain Significance. Algorithms developed to predict the effect of missense changes on protein structure and function (SIFT, PolyPhen-2, Align-GVGD) all suggest that this variant is likely to be disruptive, but these predictions have not been confirmed by published functional studies and their clinical significance is uncertain. This variant is not present in population databases (ExAC no frequency). This sequence change replaces phenylalanine with valine at codon 1901 of the NBAS protein (p.Phe1901Val). The phenylalanine residue is highly conserved and there is a small physicochemical difference between phenylalanine and valine.